The following is an entry in ClinVar:

ClinVar aggregate classification (germline): Uncertain significance. Review status: criteria provided, multiple submitters, no conflicts (2 of 4 stars). 3 submissions from 3 submitters: Uncertain significance (3). Last evaluated 2024-06-22.

Conditions:
MHC class II deficiency. Also called: Bare lymphocyte syndrome 2; BLS, TYPE II. Identifiers: Orphanet 572, MedGen C5447452, MONDO:0008855.

Allele frequency attached by ClinVar (database versions not stated): TOPMed 0.00001.
gnomAD v4.1: 3 of 1,563,796 alleles (0.00019%); highest among the groups gnomAD compares: East Asian, 0.005%; no homozygotes.

Submissions (3):

Ambry Genetics
Classification: Uncertain significance. Last evaluated: 2024-06-22. Review status: criteria provided, single submitter. Criteria: Ambry Variant Classification Scheme 2023. Collection method: clinical testing. Allele origin: germline.

Labcorp Genetics (formerly Invitae), Labcorp
Classification: Uncertain significance for MHC class II deficiency. Last evaluated: 2022-12-02. Review status: criteria provided, single submitter. Criteria: Invitae Variant Classification Sherloc (09022015). Collection method: clinical testing. Allele origin: germline.
Comment: In summary, the available evidence is currently insufficient to determine the role of this variant in disease. Therefore, it has been classified as a Variant of Uncertain Significance. Algorithms developed to predict the effect of missense changes on protein structure and function are either unavailable or do not agree on the potential impact of this missense change (SIFT: "Deleterious"; PolyPhen-2: "Probably Damaging"; Align-GVGD: "Class C0"). ClinVar contains an entry for this variant (Variation ID: 1037547). This variant has not been reported in the literature in individuals affected with RFX5-related conditions. This variant is not present in population databases (gnomAD no frequency). This sequence change replaces arginine, which is basic and polar, with histidine, which is basic and polar, at codon 97 of the RFX5 protein (p.Arg97His).

Blueprint Genetics
Classification: Uncertain significance. Last evaluated: 2019-08-27. Review status: criteria provided, single submitter. Criteria: ACMG Guidelines, 2015. Collection method: clinical testing. Allele origin: germline.

NM_001025603.2(RFX5):c.290G>A (p.Arg97His)

Gene: RFX5 (regulatory factor X5; minus strand). Cytogenetic location: 1q21.3.
Variant type: single nucleotide variant.
Coding change: c.290G>A on transcript NM_001025603.2 (MANE Select); coding-DNA position 290, G replaced by A.
Protein change: p.Arg97His; replaces arginine 97 with histidine.
Molecular consequence: missense variant. On other transcripts: intron variant (2).
Genome position (GRCh38, 1-based): chr1:151,344,791, C>T on the plus strand (G>A on the coding strand, the complement: RFX5 is on the minus strand). VCF-style: chr1-151344791-C-T. GRCh37 (hg19) VCF-style: chr1-151317267-C-T.
Other names: c.290G>A, p.Arg97His (NM_000449.4, NM_001379412.1, NM_001379413.1 and 5 more transcripts); c.234-255G>A (NM_001379419.1, NM_001379420.1); c.290G>A (NM_000449.3); short protein forms R97H.
Identifiers: ClinVar variation 1037547 (VCV001037547.10), dbSNP rs756804631, ClinGen allele CA341942859.
Genomic context (GRCh38, chr1:151,344,791, plus strand): 5'-TAGGCATCATAAACACTTTGCTTTGGCAGACAGGTGTCAGTGTGCTCTTCCAGGTGGTTG[C>T]GGATCCACCTATAGGCATACATGTACTCCTCATTGCTCAGTGTACTTGGCTCTGAGCTAC-3'
Protein context (NP_001020774.1, residues 87-107): EEYMYAYRWI[Arg97His]NHLEEHTDTC